The following is an entry in ClinVar:

ClinVar aggregate classification (germline): Uncertain significance (1 of 4 stars; one submission).

gnomAD v4.1: 5 of 1,613,992 alleles (0.00031%); highest among the groups gnomAD compares: South Asian, 0.0044%; no homozygotes.

Submission:

Labcorp Genetics (formerly Invitae), Labcorp
Classification: Uncertain significance. Last evaluated: 2025-11-27. Review status: criteria provided, single submitter. Criteria: Invitae Variant Classification Sherloc (09022015). Collection method: clinical testing. Allele origin: germline.
Comment: This sequence change replaces isoleucine, which is neutral and non-polar, with threonine, which is neutral and polar, at codon 539 of the CSF2RB protein (p.Ile539Thr). This variant is present in population databases (rs774444115, gnomAD 0.006%). This variant has not been reported in the literature in individuals affected with CSF2RB-related conditions. Invitae Evidence Modeling of protein sequence and biophysical properties (such as structural, functional, and spatial information, amino acid conservation, physicochemical variation, residue mobility, and thermodynamic stability) indicates that this missense variant is not expected to disrupt CSF2RB protein function with a negative predictive value of 80%. In summary, the available evidence is currently insufficient to determine the role of this variant in disease. Therefore, it has been classified as a Variant of Uncertain Significance.

NM_000395.3(CSF2RB):c.1616T>C (p.Ile539Thr)

Gene: CSF2RB (colony stimulating factor 2 receptor subunit beta; plus strand). Cytogenetic location: 22q12.3.
Variant type: single nucleotide variant.
Coding change: c.1616T>C on transcript NM_000395.3 (MANE Select); coding-DNA position 1616, T replaced by C.
Protein change: p.Ile539Thr; replaces isoleucine 539 with threonine.
Molecular consequence: missense variant.
Genome position (GRCh38, 1-based): chr22:36,937,424, T>C. VCF-style: chr22-36937424-T-C. GRCh37 (hg19) VCF-style: chr22-37333466-T-C.
Other names: c.1634T>C, p.Ile545Thr (NM_001410827.1); short protein forms I539T, I545T.
Identifiers: ClinVar variation 4773826 (VCV004773826.1).